The following is an entry in ClinVar:

NM_152618.3(BBS12):c.1262G>A (p.Arg421His)

Gene: BBS12 (Bardet-Biedl syndrome 12; plus strand). Cytogenetic location: 4q27.
Variant type: single nucleotide variant.
Coding change: c.1262G>A on transcript NM_152618.3 (MANE Select); coding-DNA position 1262, G replaced by A.
Protein change: p.Arg421His; replaces arginine 421 with histidine.
Molecular consequence: missense variant.
Genome position (GRCh38, 1-based): chr4:122,743,154, G>A. VCF-style: chr4-122743154-G-A. GRCh37 (hg19) VCF-style: chr4-123664309-G-A.
Other names: c.1262G>A, p.Arg421His (NM_001178007.2); short protein forms R421H.
Identifiers: ClinVar variation 939406 (VCV000939406.10), dbSNP rs778351153, ClinGen allele CA3069411.

ClinVar aggregate classification (germline): Conflicting classifications of pathogenicity. Review status: criteria provided, conflicting classifications (1 of 4 stars). 6 submissions from 6 submitters: Uncertain significance (2); Likely benign (2). 2 of the submissions do not count toward it. Last evaluated 2025-05-19.

Conditions:
Bardet-Biedl syndrome 12 (BBS12). Identifiers: Orphanet 110, MedGen C1859570, MONDO:0014440, OMIM 615989.
BBS12-related disorder. Also called: BBS12-related condition.
Inborn genetic diseases. Identifiers: MedGen C0950123, MeSH D030342.
Bardet-Biedl syndrome (BBS). Identifiers: Orphanet 110, MedGen C0752166, MONDO:0015229.

Allele frequency attached by ClinVar (database versions not stated): ExAC 0.00004; gnomAD exomes 0.00004 and 0.00006; TOPMed 0.00005; gnomAD 0.00008 and 0.00009.
gnomAD v4.1: 67 of 1,614,072 alleles (0.0042%); highest among the groups gnomAD compares: East Asian, 0.027%; no homozygotes.

Submissions (6):

Ambry Genetics
Classification: Likely benign for Inborn genetic diseases. Last evaluated: 2025-05-19. Review status: criteria provided, single submitter. Criteria: Ambry Variant Classification Scheme 2023. Collection method: clinical testing. Allele origin: germline.

Labcorp Genetics (formerly Invitae), Labcorp
Classification: Uncertain significance for Bardet-Biedl syndrome. Last evaluated: 2024-12-02. Review status: criteria provided, single submitter. Criteria: Invitae Variant Classification Sherloc (09022015). Collection method: clinical testing. Allele origin: germline.
Comment: This sequence change replaces arginine, which is basic and polar, with histidine, which is basic and polar, at codon 421 of the BBS12 protein (p.Arg421His). This variant is present in population databases (rs778351153, gnomAD 0.05%). This variant has not been reported in the literature in individuals affected with BBS12-related conditions. ClinVar contains an entry for this variant (Variation ID: 939406). Invitae Evidence Modeling of protein sequence and biophysical properties (such as structural, functional, and spatial information, amino acid conservation, physicochemical variation, residue mobility, and thermodynamic stability) indicates that this missense variant is not expected to disrupt BBS12 protein function with a negative predictive value of 80%. In summary, the available evidence is currently insufficient to determine the role of this variant in disease. Therefore, it has been classified as a Variant of Uncertain Significance.

Fulgent Genetics
Classification: Uncertain significance for Bardet-Biedl syndrome 12. Last evaluated: 2024-06-13. Review status: criteria provided, single submitter. Criteria: ACMG Guidelines, 2015. Collection method: clinical testing. Allele origin: germline.

Blueprint Genetics
Classification: Likely benign. Last evaluated: 2021-11-06. Review status: criteria provided, single submitter. Criteria: ACMG Guidelines, 2015. Collection method: clinical testing. Allele origin: germline.

PreventionGenetics, part of Exact Sciences
Classification: Uncertain significance for BBS12-related condition. Last evaluated: 2024-09-19. Review status: no assertion criteria provided. Collection method: clinical testing. Allele origin: germline. Not counted in ClinVar's aggregate classification.
Comment: The BBS12 c.1262G>A variant is predicted to result in the amino acid substitution p.Arg421His. To our knowledge, this variant has not been reported in the literature. This variant is reported in 0.060% of alleles in individuals of East Asian descent in gnomAD. Although we suspect that this variant may be benign, at this time, the clinical significance of this variant is uncertain due to the absence of conclusive functional and genetic evidence.

Natera, Inc.
Classification: Uncertain significance for Bardet-Biedl syndrome type 12. Last evaluated: 2020-06-26. Review status: no assertion criteria provided. Collection method: clinical testing. Allele origin: germline. Not counted in ClinVar's aggregate classification.